The following is an entry in ClinVar:

ClinVar aggregate classification (germline): Uncertain significance (1 of 4 stars; one submission).

Conditions:
X-linked intellectual disability (XLID). Also called: INTELLECTUAL DEVELOPMENTAL DISORDER, X-LINKED; Mental retardation, X-linked. Identifiers: MedGen C1136249, MONDO:0100284.

Allele frequency attached by ClinVar (database versions not stated): TOPMed 0.00001.

Submission:

Clinical Genomics Laboratory, Washington University in St. Louis
Classification: Uncertain significance for X-linked intellectual disability. Last evaluated: 2023-08-29. Review status: criteria provided, single submitter. Criteria: ACMG Guidelines, 2015. Collection method: clinical testing. Allele origin: germline.
Comment: The HCFC1 c.1456G>C (p.Val486Leu) variant, to our knowledge, has not been reported in the medical literature and is only observed on 1/180,291 alleles in the general population (gnomAD v.2.1.1), indicating it is not a common variant. This variant does not occur in a known functional domain and computational predictors suggest that the variant does not impact HCFC1 function. Due to limited information, and based on ACMG/AMP guidelines for variant interpretation (Richards S et al., PMID: 25741868), the clinical significance of this variant is uncertain at this time.

NM_005334.3(HCFC1):c.1456G>C (p.Val486Leu)

Gene: HCFC1 (host cell factor C1; minus strand). Cytogenetic location: Xq28.
Variant type: single nucleotide variant.
Coding change: c.1456G>C on transcript NM_005334.3 (MANE Select); coding-DNA position 1456, G replaced by C.
Protein change: p.Val486Leu; replaces valine 486 with leucine.
Molecular consequence: missense variant.
Genome position (GRCh38, 1-based): chrX:153,959,480, C>G on the plus strand (G>C on the coding strand, the complement: HCFC1 is on the minus strand). VCF-style: chrX-153959480-C-G. GRCh37 (hg19) VCF-style: chrX-153224931-C-G.
Other names: c.1456G>C, p.Val486Leu (NM_001410705.1); short protein forms V486L.
Identifiers: ClinVar variation 2672106 (VCV002672106.1), dbSNP rs1557116105, ClinGen allele CA415140489.